The following is an entry in ClinVar:

NM_000017.4(ACADS):c.1135G>C (p.Glu379Gln)

Gene: ACADS (acyl-CoA dehydrogenase short chain; plus strand). Cytogenetic location: 12q24.31.
Variant type: single nucleotide variant.
Coding change: c.1135G>C on transcript NM_000017.4 (MANE Select); coding-DNA position 1135, G replaced by C.
Protein change: p.Glu379Gln; replaces glutamic acid 379 with glutamine.
Molecular consequence: missense variant.
Genome position (GRCh38, 1-based): chr12:120,739,344, G>C. VCF-style: chr12-120739344-G-C. GRCh37 (hg19) VCF-style: chr12-121177147-G-C.
Other names: c.1123G>C, p.Glu375Gln (NM_001302554.2); short protein forms E375Q, E379Q.
Identifiers: ClinVar variation 882404 (VCV000882404.7), dbSNP rs953436518, ClinGen allele CA244495448.
Genomic context (GRCh38, chr12:120,739,344, plus strand): 5'-TTCTCATCTCAGGCCATCCAGATCCTGGGCGGCATGGGCTACGTGACAGAGATGCCGGCA[G>C]AGCGGCACTACCGCGACGCCCGCATCACTGAGATCTACGAGGGCACCAGCGAAATCCAGC-3'
Protein context (NP_000008.1, residues 369-389): GMGYVTEMPA[Glu379Gln]RHYRDARITE

ClinVar aggregate classification (germline): Uncertain significance. Review status: criteria provided, multiple submitters, no conflicts (2 of 4 stars). 2 submissions from 2 submitters: Uncertain significance (2). Last evaluated 2023-09-18.

Conditions:
Deficiency of butyryl-CoA dehydrogenase (ACADSD). Also called: SCAD DEFICIENCY, MILD; ACADS DEFICIENCY; Short-Chain Acyl-CoA Dehydrogenase Deficiency; ACYL-CoA DEHYDROGENASE, SHORT-CHAIN, DEFICIENCY OF; SCADH DEFICIENCY; SCAD Deficiency. Identifiers: Orphanet 26792, MedGen C0342783, MONDO:0008722, OMIM 201470. Disease mechanism: May be benign.

Allele frequency attached by ClinVar (database versions not stated): gnomAD 0.00001.

Submissions (2):

Labcorp Genetics (formerly Invitae), Labcorp
Classification: Uncertain significance for Deficiency of butyryl-CoA dehydrogenase. Last evaluated: 2023-09-18. Review status: criteria provided, single submitter. Criteria: Invitae Variant Classification Sherloc (09022015). Collection method: clinical testing. Allele origin: germline.
Comment: ClinVar contains an entry for this variant (Variation ID: 882404). Advanced modeling of protein sequence and biophysical properties (such as structural, functional, and spatial information, amino acid conservation, physicochemical variation, residue mobility, and thermodynamic stability) performed at Invitae indicates that this missense variant is expected to disrupt ACADS protein function. This variant has not been reported in the literature in individuals affected with ACADS-related conditions. This variant is not present in population databases (gnomAD no frequency). This sequence change replaces glutamic acid, which is acidic and polar, with glutamine, which is neutral and polar, at codon 379 of the ACADS protein (p.Glu379Gln). In summary, the available evidence is currently insufficient to determine the role of this variant in disease. Therefore, it has been classified as a Variant of Uncertain Significance.

Illumina Laboratory Services, Illumina
Classification: Uncertain significance for Deficiency of butyryl-CoA dehydrogenase. Last evaluated: 2018-01-13. Review status: criteria provided, single submitter. Criteria: ICSL Variant Classification Criteria 13 December 2019. Collection method: clinical testing. Allele origin: germline.